The following is an entry in ClinVar:

ClinVar aggregate classification (germline): Uncertain significance (1 of 4 stars; one submission).

Conditions:
Microcephaly, normal intelligence and immunodeficiency (NBS). Also called: IMMUNODEFICIENCY, MICROCEPHALY, AND CHROMOSOMAL INSTABILITY; SEEMANOVA SYNDROME II; Nijmegen breakage syndrome; Microcephaly with normal intelligence immunodeficiency and lymphoreticular malignancies; Nonsyndromal microcephaly autosomal recessive with normal intelligence; Seemanova syndrome 2. Identifiers: Orphanet 647, MedGen C0398791, MONDO:0009623, OMIM 251260.

Submission:

Labcorp Genetics (formerly Invitae), Labcorp
Classification: Uncertain significance for Microcephaly, normal intelligence and immunodeficiency. Last evaluated: 2023-10-06. Review status: criteria provided, single submitter. Criteria: Invitae Variant Classification Sherloc (09022015). Collection method: clinical testing. Allele origin: germline.
Comment: This sequence change replaces valine, which is neutral and non-polar, with isoleucine, which is neutral and non-polar, at codon 386 of the NBN protein (p.Val386Ile). This variant is not present in population databases (gnomAD no frequency). This variant has not been reported in the literature in individuals affected with NBN-related conditions. Algorithms developed to predict the effect of missense changes on protein structure and function output the following: SIFT: "Not Available"; PolyPhen-2: "Benign"; Align-GVGD: "Not Available". The isoleucine amino acid residue is found in multiple mammalian species, which suggests that this missense change does not adversely affect protein function. In summary, the available evidence is currently insufficient to determine the role of this variant in disease. Therefore, it has been classified as a Variant of Uncertain Significance.

NM_002485.5(NBN):c.1156G>A (p.Val386Ile)

Gene: NBN (nibrin; minus strand). Cytogenetic location: 8q21.3.
Variant type: single nucleotide variant.
Coding change: c.1156G>A on transcript NM_002485.5 (MANE Select); coding-DNA position 1156, G replaced by A.
Protein change: p.Val386Ile; replaces valine 386 with isoleucine.
Molecular consequence: missense variant.
Genome position (GRCh38, 1-based): chr8:89,955,524, C>T on the plus strand (G>A on the coding strand, the complement: NBN is on the minus strand). VCF-style: chr8-89955524-C-T. GRCh37 (hg19) VCF-style: chr8-90967752-C-T.
Other names: c.910G>A, p.Val304Ile (NM_001024688.3); short protein forms V304I, V386I.
Identifiers: ClinVar variation 2766235 (VCV002766235.3), dbSNP rs1586059509, ClinGen allele CA371656472.
Genomic context (GRCh38, chr8:89,955,524, plus strand): 5'-ACTCCTTTACAGTGGGTGCATCTTGTGAAAGCATTCTGAATTTTTGTTCCATTTTGGAGA[C>T]TTTGATTTCTTTTGGCCTTTCACTCAAATCCCTGTAGAAAAAGAAAAGAATGCAAGGTAA-3'
Protein context (NP_002476.2, residues 376-396): DLSERPKEIK[Val386Ile]SKMEQKFRML